The following is an entry in ClinVar:

NM_014249.4(NR2E3):c.126C>T (p.Ser42=)

Gene: NR2E3 (nuclear receptor subfamily 2 group E member 3; plus strand). Cytogenetic location: 15q23.
Variant type: single nucleotide variant.
Coding change: c.126C>T on transcript NM_014249.4 (MANE Select); coding-DNA position 126, C replaced by T.
Protein change: p.Ser42=; no amino-acid change (serine 42 retained).
Molecular consequence: synonymous variant.
Genome position (GRCh38, 1-based): chr15:71,811,490, C>T. VCF-style: chr15-71811490-C-T. GRCh37 (hg19) VCF-style: chr15-72103830-C-T.
Other names: c.126C>T, p.Ser42= (NM_016346.4).
Identifiers: ClinVar variation 1104679 (VCV001104679.10), dbSNP rs2140288616, ClinGen allele CA491103457.
Genomic context (GRCh38, chr15:71,811,490, plus strand): 5'-GCCCTGCCCCGGCCCAGCCCTGCCCTGGCCCAGCCCTGCCCCCTGCCCCTCAGGCGTGAG[C>T]CCCTCGCTCCAGTGCCGCGTGTGCGGAGACAGCAGCAGCGGGAAGCACTATGGCATCTAT-3'
Protein context (NP_055064.1, residues 32-52): WGLGEDPTGV[Ser42=]PSLQCRVCGD

ClinVar aggregate classification (germline): Conflicting classifications of pathogenicity. Review status: criteria provided, conflicting classifications (1 of 4 stars). 2 submissions from 2 submitters: Uncertain significance (1); Likely benign (1). Last evaluated 2025-11-17.

Conditions:
ENHANCED S-CONE SYNDROME 1 (ESCS1). Also called: RETINOSCHISIS WITH EARLY HEMERALOPIA; FAVRE HYALOIDEORETINAL DEGENERATION. Identifiers: MedGen CN380299, OMIM 268100.

Submissions (2):

Myriad Genetics, Inc.
Classification: Uncertain significance for ENHANCED S-CONE SYNDROME 1. Last evaluated: 2025-11-17. Review status: criteria provided, single submitter. Criteria: Myriad Autosomal Dominant, Autosomal Recessive and X-Linked Classification Criteria (2023). Collection method: clinical testing. Allele origin: unknown.
Comment: NM_014249.2(NR2E3):c.126C>T(aka S42=) is a silent variant classified as a variant of uncertain significance in the context of enhanced S-cone syndrome. S42= has not been observed in cases with relevant disease. Relevant functional assessments of this variant are not available in the literature. S42= has not been observed in referenced population frequency databases. In summary, there is insufficient evidence to classify NM_014249.2(NR2E3):c.126C>T(aka S42=) as pathogenic or benign. Please note: this variant was assessed in the context of healthy population screening.

Labcorp Genetics (formerly Invitae), Labcorp
Classification: Likely benign. Last evaluated: 2019-01-25. Review status: criteria provided, single submitter. Criteria: Invitae Variant Classification Sherloc (09022015). Collection method: clinical testing. Allele origin: germline.